The following is an entry in ClinVar:

NM_000553.6(WRN):c.1087C>T (p.Leu363Phe)

Gene: WRN (WRN RecQ like helicase; plus strand). Cytogenetic location: 8p12.
Variant type: single nucleotide variant.
Coding change: c.1087C>T on transcript NM_000553.6 (MANE Select); coding-DNA position 1087, C replaced by T.
Protein change: p.Leu363Phe; replaces leucine 363 with phenylalanine.
Molecular consequence: missense variant.
Genome position (GRCh38, 1-based): chr8:31,081,114, C>T. VCF-style: chr8-31081114-C-T. GRCh37 (hg19) VCF-style: chr8-30938630-C-T.
Other names: short protein forms L363F.
Identifiers: ClinVar variation 646577 (VCV000646577.4), dbSNP rs1585427933, ClinGen allele CA370920645.

ClinVar aggregate classification (germline): Uncertain significance (1 of 4 stars; one submission).

Conditions:
Werner syndrome (WRN). Identifiers: Orphanet 902, MedGen C0043119, MONDO:0010196, OMIM 277700.

Submission:

Labcorp Genetics (formerly Invitae), Labcorp
Classification: Uncertain significance for Werner syndrome. Last evaluated: 2018-07-31. Review status: criteria provided, single submitter. Criteria: Invitae Variant Classification Sherloc (09022015). Collection method: clinical testing. Allele origin: germline.
Comment: This sequence change replaces leucine with phenylalanine at codon 363 of the WRN protein (p.Leu363Phe). The leucine residue is weakly conserved and there is a small physicochemical difference between leucine and phenylalanine. In summary, the available evidence is currently insufficient to determine the role of this variant in disease. Therefore, it has been classified as a Variant of Uncertain Significance. Algorithms developed to predict the effect of missense changes on protein structure and function output the following: SIFT: "Tolerated"; PolyPhen-2: "Benign"; Align-GVGD: "Class C0". The phenylalanine amino acid residue is found in multiple mammalian species, suggesting that this missense change does not adversely affect protein function. These predictions have not been confirmed by published functional studies and their clinical significance is uncertain. This variant has not been reported in the literature in individuals with WRN-related disease. This variant is not present in population databases (ExAC no frequency).